The following is an entry in ClinVar:

NM_001111125.3(IQSEC2):c.1402-10C>A

Gene: IQSEC2 (IQ motif and Sec7 domain ArfGEF 2; minus strand). Cytogenetic location: Xp11.22.
Variant type: single nucleotide variant.
Coding change: c.1402-10C>A on transcript NM_001111125.3 (MANE Select); 10 bases into the intron before coding-DNA position 1402, C replaced by A.
Molecular consequence: intron variant.
Genome position (GRCh38, 1-based): chrX:53,251,184, G>T on the plus strand (C>A on the coding strand, the complement: IQSEC2 is on the minus strand). VCF-style: chrX-53251184-G-T. GRCh37 (hg19) VCF-style: chrX-53280366-G-T.
Other names: c.787-10C>A (NM_015075.2).
Identifiers: ClinVar variation 392522 (VCV000392522.18), dbSNP rs183644900, ClinGen allele CA10420063.
Genomic context (GRCh38, chrX:53,251,184, plus strand): 5'-TGACGGGTGGCAGTTCAGGGCTTCGTCGATGGATTCAGCCAGAGACTTTACCTGTGCAAG[G>T]GGGGGAGGAGAGGAGGGAAAGGGAGAGAAAAGAAAGAAAGATAAAGGGAAGAATGGTGGA-3'

ClinVar aggregate classification (germline): Benign/Likely benign. Review status: criteria provided, multiple submitters, no conflicts (2 of 4 stars). 4 submissions from 4 submitters: Benign (1); Likely benign (2). 1 of the submissions does not count toward it. Last evaluated 2025-03-17.

Conditions:
Intellectual developmental disorder, X-linked 1. Also called: Intellectual disability, X-linked 1; Atkin Flaitz Patil Smith syndrome; MENTAL RETARDATION, X-LINKED 18; MENTAL RETARDATION, X-LINKED 78. Identifiers: Orphanet 777, MedGen C2931498, MONDO:0010656, OMIM 309530.
IQSEC2-related disorder. Also called: IQSEC2-related condition.

Allele frequency attached by ClinVar (database versions not stated): TOPMed 0.00018; 1000 Genomes Project 30x 0.00021; 1000 Genomes Project 0.00026; ESP Exome Variant Server 0.00010.
gnomAD v4.1: 199 of 1,203,560 alleles (0.017%); highest among the groups gnomAD compares: Non-Finnish European, 0.021%; no homozygotes.

Submissions (4):

Labcorp Genetics (formerly Invitae), Labcorp
Classification: Benign for Intellectual developmental disorder, X-linked 1. Last evaluated: 2025-03-17. Review status: criteria provided, single submitter. Criteria: Invitae Variant Classification Sherloc (09022015). Collection method: clinical testing. Allele origin: germline.

Blueprint Genetics
Classification: Likely benign. Last evaluated: 2024-09-12. Review status: criteria provided, single submitter. Criteria: ACMG Guidelines, 2015. Collection method: clinical testing. Allele origin: germline.

GeneDx
Classification: Likely benign. Last evaluated: 2020-10-26. Review status: criteria provided, single submitter. Criteria: GeneDx Variant Classification Process June 2021. Collection method: clinical testing. Allele origin: germline. Affected: yes.

PreventionGenetics, part of Exact Sciences
Classification: Likely benign for IQSEC2-related condition. Last evaluated: 2019-04-05. Review status: no assertion criteria provided. Collection method: clinical testing. Allele origin: germline. Not counted in ClinVar's aggregate classification.
Comment: This variant is classified as likely benign based on ACMG/AMP sequence variant interpretation guidelines (Richards et al. 2015 PMID: 25741868, with internal and published modifications).